The following is an entry in ClinVar:

ClinVar aggregate classification (germline): Uncertain significance (1 of 4 stars; one submission).

Submission:

GeneDx
Classification: Uncertain significance. Last evaluated: 2024-06-25. Review status: criteria provided, single submitter. Criteria: GeneDx Variant Classification Process June 2021. Collection method: clinical testing. Allele origin: germline. Affected: yes.
Comment: Not observed at significant frequency in large population cohorts (gnomAD); In silico analysis supports that this missense variant has a deleterious effect on protein structure/function; In silico analysis supports a deleterious effect on splicing; Has not been previously published as pathogenic or benign to our knowledge

NM_003587.5(DHX16):c.2434G>A (p.Gly812Ser)

Gene: DHX16 (DEAH-box helicase 16; minus strand). Cytogenetic location: 6p21.33.
Variant type: single nucleotide variant.
Coding change: c.2434G>A on transcript NM_003587.5 (MANE Select); coding-DNA position 2434, G replaced by A.
Protein change: p.Gly812Ser; replaces glycine 812 with serine.
Molecular consequence: missense variant.
Genome position (GRCh38, 1-based): chr6:30,656,262, C>T on the plus strand (G>A on the coding strand, the complement: DHX16 is on the minus strand). VCF-style: chr6-30656262-C-T. GRCh37 (hg19) VCF-style: chr6-30624039-C-T.
Other names: c.2254G>A, p.Gly752Ser (NM_001164239.2); c.991G>A, p.Gly331Ser (NM_001363515.2); short protein forms G331S, G752S, G812S.
Identifiers: ClinVar variation 3392720 (VCV003392720.1).